The following is an entry in ClinVar:

ClinVar aggregate classification (germline): Uncertain significance. Review status: criteria provided, multiple submitters, no conflicts (2 of 4 stars). 6 submissions from 6 submitters: Uncertain significance (6). Last evaluated 2026-03-01.

Conditions:
Autosomal recessive limb-girdle muscular dystrophy type 2L (LGMDR12). Also called: Limb-girdle muscular dystrophy, type 2L; Limb-Girdle Muscular Dystrophy R12 Anoctamin-5-Related (LGMD-R12); MUSCULAR DYSTROPHY, LIMB-GIRDLE, AUTOSOMAL RECESSIVE 12. Identifiers: Orphanet 206549, MedGen C1969785, MONDO:0012652, OMIM 611307.
Gnathodiaphyseal dysplasia (GDD). Also called: GNATHODIAPHYSEAL SCLEROSIS; OSTEOGENESIS IMPERFECTA WITH UNUSUAL SKELETAL LESIONS. Identifiers: Orphanet 53697, MedGen C1833736, MONDO:0008151, OMIM 166260.

Allele frequency attached by ClinVar (database versions not stated): gnomAD exomes 0.00004 and 0.00009; ESP Exome Variant Server 0.00008; ExAC 0.00009; gnomAD 0.00018; 1000 Genomes Project 0.00020; TOPMed 0.00022; 1000 Genomes Project 30x 0.00031.

Submissions (6):

CeGaT Center for Human Genetics Tuebingen
Classification: Uncertain significance. Last evaluated: 2026-03-01. Review status: criteria provided, single submitter. Criteria: CeGaT Center For Human Genetics Tuebingen Variant Classification Criteria Version 2. Collection method: clinical testing. Allele origin: germline. Affected: yes. Observed: 1 variant allele.

Labcorp Genetics (formerly Invitae), Labcorp
Classification: Uncertain significance for Autosomal recessive limb-girdle muscular dystrophy type 2L; Gnathodiaphyseal dysplasia. Last evaluated: 2025-04-21. Review status: criteria provided, single submitter. Criteria: Invitae Variant Classification Sherloc (09022015). Collection method: clinical testing. Allele origin: germline.
Comment: This sequence change replaces valine, which is neutral and non-polar, with isoleucine, which is neutral and non-polar, at codon 583 of the ANO5 protein (p.Val583Ile). This variant is present in population databases (rs375225649, gnomAD 0.02%). This variant has not been reported in the literature in individuals affected with ANO5-related conditions. ClinVar contains an entry for this variant (Variation ID: 947282). Invitae Evidence Modeling of protein sequence and biophysical properties (such as structural, functional, and spatial information, amino acid conservation, physicochemical variation, residue mobility, and thermodynamic stability) indicates that this missense variant is not expected to disrupt ANO5 protein function with a negative predictive value of 80%. In summary, the available evidence is currently insufficient to determine the role of this variant in disease. Therefore, it has been classified as a Variant of Uncertain Significance.

Blueprint Genetics
Classification: Uncertain significance. Last evaluated: 2024-06-21. Review status: criteria provided, single submitter. Criteria: ACMG Guidelines, 2015. Collection method: clinical testing. Allele origin: germline.

Revvity Omics, Revvity
Classification: Uncertain significance. Last evaluated: 2023-03-16. Review status: criteria provided, single submitter. Criteria: ACMG Guidelines, 2015. Collection method: clinical testing. Allele origin: germline.

GeneDx
Classification: Uncertain significance. Last evaluated: 2021-12-07. Review status: criteria provided, single submitter. Criteria: GeneDx Variant Classification Process June 2021. Collection method: clinical testing. Allele origin: germline. Affected: yes.
Comment: In silico analysis, which includes protein predictors and evolutionary conservation, supports that this variant does not alter protein structure/function; Has not been previously published as pathogenic or benign to our knowledge

Breakthrough Genomics
Classification: Uncertain significance. Review status: criteria provided, single submitter. Criteria: ACMG Guidelines, 2015. Collection method: not provided. Allele origin: germline. Inheritance: Autosomal recessive inheritance. Affected: yes.

NM_213599.3(ANO5):c.1747G>A (p.Val583Ile)

Gene: ANO5 (anoctamin 5; plus strand). Cytogenetic location: 11p14.3.
Variant type: single nucleotide variant.
Coding change: c.1747G>A on transcript NM_213599.3 (MANE Select); coding-DNA position 1747, G replaced by A.
Protein change: p.Val583Ile; replaces valine 583 with isoleucine.
Molecular consequence: missense variant.
Genome position (GRCh38, 1-based): chr11:22,262,245, G>A. VCF-style: chr11-22262245-G-A. GRCh37 (hg19) VCF-style: chr11-22283791-G-A.
Other names: c.1744G>A, p.Val582Ile (NM_001142649.2); short protein forms V583I, V582I.
Identifiers: ClinVar variation 947282 (VCV000947282.20), dbSNP rs375225649, ClinGen allele CA5923335.